The following is an entry in ClinVar:

ClinVar aggregate classification (germline): Uncertain significance. Review status: criteria provided, multiple submitters, no conflicts (2 of 4 stars). 3 submissions from 3 submitters: Uncertain significance (2). 1 of the submissions does not count toward it. Last evaluated 2025-09-10.

Conditions:
Inborn genetic diseases. Identifiers: MedGen C0950123, MeSH D030342.
Choroideremia. Also called: Chorioretinal scalloped atrophy. Identifiers: Orphanet 180, MedGen C0008525, MONDO:0010557, OMIM 303100, HP:0001139.

Allele frequency attached by ClinVar (database versions not stated): gnomAD exomes below 0.00001 and 0.00001; ExAC 0.00001; gnomAD 0.00001 and 0.00002; TOPMed 0.00003; 1000 Genomes Project 30x 0.00042.
gnomAD v4.1: 5 of 1,199,724 alleles (0.00042%); highest among the groups gnomAD compares: African/African-American, 0.007%; no homozygotes.

Submissions (3):

Ambry Genetics
Classification: Uncertain significance for Inborn genetic diseases. Last evaluated: 2025-09-10. Review status: criteria provided, single submitter. Criteria: Ambry Variant Classification Scheme 2023. Collection method: clinical testing. Allele origin: germline.

Labcorp Genetics (formerly Invitae), Labcorp
Classification: Uncertain significance. Last evaluated: 2024-05-01. Review status: criteria provided, single submitter. Criteria: Invitae Variant Classification Sherloc (09022015). Collection method: clinical testing. Allele origin: germline.
Comment: This sequence change replaces leucine, which is neutral and non-polar, with valine, which is neutral and non-polar, at codon 550 of the CHM protein (p.Leu550Val). This variant is present in population databases (rs186479811, gnomAD 0.008%), including at least one homozygous and/or hemizygous individual. This variant has not been reported in the literature in individuals affected with CHM-related conditions. ClinVar contains an entry for this variant (Variation ID: 964541). Advanced modeling of protein sequence and biophysical properties (such as structural, functional, and spatial information, amino acid conservation, physicochemical variation, residue mobility, and thermodynamic stability) performed at Invitae indicates that this missense variant is not expected to disrupt CHM protein function with a negative predictive value of 80%. In summary, the available evidence is currently insufficient to determine the role of this variant in disease. Therefore, it has been classified as a Variant of Uncertain Significance.

Natera, Inc.
Classification: Uncertain significance for Choroideremia. Last evaluated: 2020-10-20. Review status: no assertion criteria provided. Collection method: clinical testing. Allele origin: germline. Not counted in ClinVar's aggregate classification.

NM_000390.4(CHM):c.1648C>G (p.Leu550Val)

Gene: CHM (CHM Rab escort protein; minus strand). Cytogenetic location: Xq21.2.
Variant type: single nucleotide variant.
Coding change: c.1648C>G on transcript NM_000390.4 (MANE Select); coding-DNA position 1648, C replaced by G.
Protein change: p.Leu550Val; replaces leucine 550 with valine.
Molecular consequence: missense variant.
Genome position (GRCh38, 1-based): chrX:85,873,174, G>C on the plus strand (C>G on the coding strand, the complement: CHM is on the minus strand). VCF-style: chrX-85873174-G-C. GRCh37 (hg19) VCF-style: chrX-85128179-G-C.
Other names: c.1204C>G, p.Leu402Val (NM_001320959.1, NM_001362517.1, NM_001362518.2 and 1 more transcripts); short protein forms L550V, L402V.
Identifiers: ClinVar variation 964541 (VCV000964541.8), dbSNP rs186479811, ClinGen allele CA10465333.